The following is an entry in ClinVar:

NM_005029.4(PITX3):c.738C>T (p.Ala246=)

Genes: GBF1 (golgi brefeldin A resistant guanine nucleotide exchange factor 1; plus strand), PITX3 (paired like homeodomain 3; minus strand), LOC130004591 (ATAC-STARR-seq lymphoblastoid silent region 2753; plus strand). Cytogenetic location: 10q24.32.
Variant type: single nucleotide variant.
Coding change: c.738C>T on transcript NM_005029.4 (MANE Select); coding-DNA position 738, C replaced by T.
Protein change: p.Ala246=; no amino-acid change (alanine 246 retained).
Molecular consequence: synonymous variant. On other transcripts: 5 prime UTR variant (2).
Genome position (GRCh38, 1-based): chr10:102,230,685, G>A on the plus strand (C>T on the coding strand, the complement: PITX3 is on the minus strand). VCF-style: chr10-102230685-G-A. GRCh37 (hg19) VCF-style: chr10-103990442-G-A.
Other names: c.-242G>A (NM_001391923.1); c.-380G>A (NM_001391924.1).
Identifiers: ClinVar variation 3352011 (VCV003352011.1).
Genomic context (GRCh38, chr10:102,230,685, plus strand): 5'-GCTGGCCAGGCTCGAGTTACACGGGTCCCGATAGACGTAGGGGGAAGAGGCGGCAGCCGC[G>A]GCGGCGGCGGCGGCCGAGGCATAAGGGCAGGACACGGCCCCGGAGGACACGGCGGCCGGA-3'
Protein context (NP_005020.1, residues 236-256): SCPYASAAAA[Ala246=]AAAASSPYVY

ClinVar aggregate classification (germline): Likely benign (0 of 4 stars; one submission).

Conditions:
PITX3-related disorder. Also called: PITX3-related condition.

gnomAD v4.1: 1 of 1,546,394 alleles (0.000065%); highest among the groups gnomAD compares: Admixed American, 0.002%; no homozygotes.

Submission:

PreventionGenetics, part of Exact Sciences
Classification: Likely benign for PITX3-related condition. Last evaluated: 2024-03-05. Review status: no assertion criteria provided. Collection method: clinical testing. Allele origin: germline.
Comment: This variant is classified as likely benign based on ACMG/AMP sequence variant interpretation guidelines (Richards et al. 2015 PMID: 25741868, with internal and published modifications).